The following is an entry in ClinVar:

NM_213607.3(DNAAF19):c.332_334delinsCAA (p.Arg111_His112delinsProAsn)

Gene: DNAAF19 (dynein axonemal assembly factor 19; plus strand). Cytogenetic location: 17q21.31.
Variant type: Indel.
Coding change: c.332_334delinsCAA on transcript NM_213607.3 (MANE Select); coding-DNA positions 332 to 334, GAC replaced by CAA.
Protein change: p.Arg111_His112delinsProAsn.
Molecular consequence: missense variant. On other transcripts: 3 prime UTR variant (3).
Genome position (GRCh38, 1-based): chr17:44,902,420-44,902,422, GAC replaced by CAA. VCF-style: chr17-44902420-GAC-CAA. GRCh37 (hg19) VCF-style: chr17-42979788-GAC-CAA.
Other names: c.332_334delinsCAA, p.Arg111_His112delinsProAsn (NM_001258395.2, NM_001258396.2); c.*82_*84delinsCAA (NM_001258397.3); c.*21_*23delinsCAA (NM_001258398.3, NM_001258399.2).
Identifiers: ClinVar variation 2431833 (VCV002431833.1), dbSNP rs2508900136, ClinGen allele CA2580093912.
Genomic context (GRCh38, chr17:44,902,420, plus strand): 5'-TCCAGGAGAAAGCCCCCCTCCAGCCCGAGACGTCTGCTGACTTCTATCGTGATTGGCGAC[GAC>CAA]ACTTGCCAAGTGGGCCAGAGCGCTACCAGGCTCTACTGCAGCTTGGGGGTCCAAGGCTCG-3'

ClinVar aggregate classification (germline): Uncertain significance (1 of 4 stars; one submission).

Conditions:
Primary ciliary dyskinesia 17. Also called: CILIARY DYSKINESIA, PRIMARY, 17, WITH OR WITHOUT SITUS INVERSUS. Identifiers: Orphanet 244, MedGen C3542550, MONDO:0013854, OMIM 614679.

Submission:

Laboratorio de Genetica e Diagnostico Molecular, Hospital Israelita Albert Einstein
Classification: Uncertain significance for Primary ciliary dyskinesia 17. Last evaluated: 2022-04-05. Review status: criteria provided, single submitter. Criteria: ACMG Guidelines, 2015. Collection method: clinical testing. Allele origin: germline. Affected: yes. Observed: 1 variant allele.
Comment: ACMG classification criteria: PM2 moderated, PM3 moderated